The following is an entry in ClinVar:

NM_032242.4(PLXNA1):c.4498T>C (p.Tyr1500His)

Gene: PLXNA1 (plexin A1; plus strand). Cytogenetic location: 3q21.3.
Variant type: single nucleotide variant.
Coding change: c.4498T>C on transcript NM_032242.4 (MANE Select); coding-DNA position 4498, T replaced by C.
Protein change: p.Tyr1500His; replaces tyrosine 1500 with histidine.
Molecular consequence: missense variant.
Genome position (GRCh38, 1-based): chr3:127,028,075, T>C. VCF-style: chr3-127028075-T-C. GRCh37 (hg19) VCF-style: chr3-126746918-T-C.
Other names: short protein forms Y1500H.
Identifiers: ClinVar variation 4987577 (VCV004987577.1).
Genomic context (GRCh38, chr3:127,028,075, plus strand): 5'-ATCACGGGTGAGGCACGCTACTCCCTGAGTGAGGACAAGCTCATCCGGCAGCAGATTGAC[T>C]ACAAGACACTGGTGAGCGTGGCTGCCCTCTGTCCTGGGTGCCCTGGTGCCCCCCACCCCC-3'
Protein context (NP_115618.3, residues 1490-1510): EDKLIRQQID[Tyr1500His]KTLTLNCVNP

ClinVar aggregate classification (germline): Uncertain significance (1 of 4 stars; one submission).

Conditions:
PLXNA1-related disorder. Also called: PLXNA1-related condition.

Submission:

PreventionGenetics, part of Exact Sciences
Classification: Uncertain significance for PLXNA1-related condition. Last evaluated: 2025-01-13. Review status: criteria provided, single submitter. Criteria: ACMG Guidelines, 2015. Collection method: clinical testing. Allele origin: germline.
Comment: The PLXNA1 c.4498T>C variant is predicted to result in the amino acid substitution p.Tyr1500His. To our knowledge, this variant has not been reported in the literature or in a large population database (gnomAD), indicating this variant is rare. At this time, the clinical significance of this variant is uncertain due to the absence of conclusive functional and genetic evidence.